The following is an entry in ClinVar:

ClinVar aggregate classification (germline): Conflicting classifications of pathogenicity. Review status: criteria provided, conflicting classifications (1 of 4 stars). 2 submissions from 2 submitters: Pathogenic (1); Uncertain significance (1). Last evaluated 2023-06-05.

Conditions:
Aicardi-Goutieres syndrome 2. Identifiers: Orphanet 51, MedGen C3489724, MONDO:0012429, OMIM 610181.

Submissions (2):

Labcorp Genetics (formerly Invitae), Labcorp
Classification: Pathogenic for Aicardi-Goutieres syndrome 2. Last evaluated: 2023-06-05. Review status: criteria provided, single submitter. Criteria: Invitae Variant Classification Sherloc (09022015). Collection method: clinical testing. Allele origin: germline.
Comment: This variant has not been reported in the literature in individuals affected with RNASEH2B-related conditions. For these reasons, this variant has been classified as Pathogenic. ClinVar contains an entry for this variant (Variation ID: 225455). This variant is not present in population databases (gnomAD no frequency). This sequence change creates a premature translational stop signal (p.Lys170Argfs*9) in the RNASEH2B gene. It is expected to result in an absent or disrupted protein product. Loss-of-function variants in RNASEH2B are known to be pathogenic (PMID: 17846997).

Soonchunhyang University Bucheon Hospital, Soonchunhyang University Medical Center
Classification: Uncertain significance for Aicardi-Goutieres syndrome 2. Last evaluated: 2016-03-18. Review status: criteria provided, single submitter. Criteria: ACMG Guidelines, 2015. Collection method: reference population. Allele origin: germline. Observed: 1 variant allele.

Literature cited by the submitters: PubMed 17846997 (cited by Labcorp Genetics (formerly Invitae), Labcorp and Soonchunhyang University Bucheon Hospital, Soonchunhyang University Medical Center).

NM_024570.4(RNASEH2B):c.509del (p.Lys170fs)

Gene: RNASEH2B (ribonuclease H2 subunit B; plus strand). Cytogenetic location: 13q14.3.
Variant type: Deletion.
Coding change: c.509del on transcript NM_024570.4 (MANE Select); coding-DNA position 509, one base deleted (A; older notation c.509delA).
Protein change: p.Lys170fs; shifts the reading frame from lysine 170.
Molecular consequence: frameshift variant.
Genome position (GRCh38, 1-based): chr13:50,943,393, A deleted; the last of 7 consecutive A bases (chr13:50,943,387-50,943,393); deleting any one gives the same sequence. VCF-style (leftmost placement, unchanged base first): chr13-50943386-GA-G. GRCh37 (hg19) VCF-style: chr13-51517522-GA-G.
Other names: c.509del, p.Lys170fs (NM_001142279.2); c.509delA (NM_001142279.2); short protein forms K170fs.
Identifiers: ClinVar variation 225455 (VCV000225455.6), dbSNP rs1085307091, ClinGen allele CA483840469.